The following is an entry in ClinVar:

NM_032409.3(PINK1):c.1627A>G (p.Arg543Gly)

Genes: PINK1 (PTEN induced kinase 1; plus strand), PINK1-AS (PINK1 antisense RNA; minus strand). Cytogenetic location: 1p36.12.
Variant type: single nucleotide variant.
Coding change: c.1627A>G on transcript NM_032409.3 (MANE Select); coding-DNA position 1627, A replaced by G.
Protein change: p.Arg543Gly; replaces arginine 543 with glycine.
Molecular consequence: missense variant. On other transcripts: non-coding transcript variant (1).
Genome position (GRCh38, 1-based): chr1:20,650,572, A>G. VCF-style: chr1-20650572-A-G. GRCh37 (hg19) VCF-style: chr1-20977065-A-G.
Other names: short protein forms R543G.
Identifiers: ClinVar variation 1447757 (VCV001447757.6), dbSNP rs2154534076, ClinGen allele CA338840775.
Genomic context (GRCh38, chr1:20,650,572, plus strand): 5'-AAGTTAGACAAGATGGTTGGCTGGCTCCTCCAACAATCGGCCGCCACTTTGTTGGCCAAC[A>G]GGCTCACAGAGAAGTGTTGTGTGGAAACAAAAATGAAGATGCTCTTTCTGGCTAACCTGG-3'
Protein context (NP_115785.1, residues 533-553): QQSAATLLAN[Arg543Gly]LTEKCCVETK

ClinVar aggregate classification (germline): Uncertain significance (1 of 4 stars; one submission).

Conditions:
Autosomal recessive early-onset Parkinson disease 6 (PARK6). Also called: PINK1-Related Parkinson Disease; PARKINSON DISEASE 6, EARLY-ONSET; PINK1 Type of Young-Onset Parkinson Disease; PARKINSON DISEASE 6, MODIFIER OF. Identifiers: Orphanet 2828, MedGen C1853833, MONDO:0011613, OMIM 605909.

gnomAD v4.1: 1 of 1,614,240 alleles (0.000062%); highest among the groups gnomAD compares: African/African-American, 0.0013%; no homozygotes.

Submission:

Labcorp Genetics (formerly Invitae), Labcorp
Classification: Uncertain significance for Autosomal recessive early-onset Parkinson disease 6. Last evaluated: 2022-06-27. Review status: criteria provided, single submitter. Criteria: Invitae Variant Classification Sherloc (09022015). Collection method: clinical testing. Allele origin: germline.
Comment: In summary, the available evidence is currently insufficient to determine the role of this variant in disease. Therefore, it has been classified as a Variant of Uncertain Significance. Algorithms developed to predict the effect of missense changes on protein structure and function (SIFT, PolyPhen-2, Align-GVGD) all suggest that this variant is likely to be tolerated. This variant has not been reported in the literature in individuals affected with PINK1-related conditions. This variant is not present in population databases (gnomAD no frequency). This sequence change replaces arginine, which is basic and polar, with glycine, which is neutral and non-polar, at codon 543 of the PINK1 protein (p.Arg543Gly).